The following is an entry in ClinVar:

ClinVar aggregate classification (germline): Uncertain significance (1 of 4 stars; one submission).

Submission:

Labcorp Genetics (formerly Invitae), Labcorp
Classification: Uncertain significance. Last evaluated: 2025-04-17. Review status: criteria provided, single submitter. Criteria: Invitae Variant Classification Sherloc (09022015). Collection method: clinical testing. Allele origin: germline.
Comment: This sequence change affects codon 246 of the SLC25A11 mRNA. It is a 'silent' change, meaning that it does not change the encoded amino acid sequence of the SLC25A11 protein. It affects a nucleotide within the consensus splice site. This variant is not present in population databases (gnomAD no frequency). This variant has not been reported in the literature in individuals affected with SLC25A11-related conditions. ClinVar contains an entry for this variant (Variation ID: 3647931). Algorithms developed to predict the effect of sequence changes on RNA splicing suggest that this variant is not likely to affect RNA splicing. In summary, the available evidence is currently insufficient to determine the role of this variant in disease. Therefore, it has been classified as a Variant of Uncertain Significance.

NM_003562.5(SLC25A11):c.736C>A (p.Arg246=)

Gene: SLC25A11 (solute carrier family 25 member 11; minus strand). Cytogenetic location: 17p13.2.
Variant type: single nucleotide variant.
Coding change: c.736C>A on transcript NM_003562.5 (MANE Select); coding-DNA position 736, C replaced by A.
Protein change: p.Arg246=; no amino-acid change (arginine 246 retained).
Molecular consequence: synonymous variant.
Genome position (GRCh38, 1-based): chr17:4,938,155, G>T on the plus strand (C>A on the coding strand, the complement: SLC25A11 is on the minus strand). VCF-style: chr17-4938155-G-T. GRCh37 (hg19) VCF-style: chr17-4841450-G-T.
Other names: c.703C>A, p.Arg235= (NM_001165417.2); c.583C>A, p.Arg195= (NM_001165418.2).
Identifiers: ClinVar variation 3647931 (VCV003647931.2).